The following is an entry in ClinVar:

NM_182493.3(MYLK3):c.1772+3_1772+6del

Gene: MYLK3 (myosin light chain kinase 3; minus strand). Cytogenetic location: 16q11.2.
Variant type: Deletion.
Coding change: c.1772+3_1772+6del on transcript NM_182493.3 (MANE Select); bases 3 to 6 of the intron after coding-DNA position 1772, 4 bases deleted (GAGT; older notation c.1772+3_1772+6delGAGT).
Molecular consequence: splice donor variant.
Genome position (GRCh38, 1-based): chr16:46,729,018-46,729,021, ACTC deleted on the plus strand (GAGT on the coding strand, the reverse complement: MYLK3 is on the minus strand); deleting any 4 consecutive bases within chr16:46,729,018-46,729,024 gives the same sequence; the c. name uses the placement nearest the transcript's 3' end. VCF-style (leftmost placement, unchanged base first): chr16-46729017-TACTC-T. GRCh37 (hg19) VCF-style: chr16-46762929-TACTC-T.
Other names: c.749+3_749+6del (NM_001308301.1).
Identifiers: ClinVar variation 2697884 (VCV002697884.3), dbSNP rs2548904321, ClinGen allele CA2697555789.

ClinVar aggregate classification (germline): Uncertain significance (1 of 4 stars; one submission).

Submission:

Labcorp Genetics (formerly Invitae), Labcorp
Classification: Uncertain significance. Last evaluated: 2024-02-17. Review status: criteria provided, single submitter. Criteria: Invitae Variant Classification Sherloc (09022015). Collection method: clinical testing. Allele origin: germline.
Comment: This sequence change falls in intron 7 of the MYLK3 gene. It does not directly change the encoded amino acid sequence of the MYLK3 protein. It affects a nucleotide within the consensus splice site. This variant is not present in population databases (gnomAD no frequency). This variant has not been reported in the literature in individuals affected with MYLK3-related conditions. Variants that disrupt the consensus splice site are a relatively common cause of aberrant splicing (PMID: 17576681, 9536098). Algorithms developed to predict the effect of sequence changes on RNA splicing suggest that this variant may disrupt the consensus splice site. In summary, the available evidence is currently insufficient to determine the role of this variant in disease. Therefore, it has been classified as a Variant of Uncertain Significance.

Literature cited by the submitters: PubMed 17576681; PubMed 9536098.